The following is an entry in ClinVar:

ClinVar aggregate classification (germline): Uncertain significance (1 of 4 stars; one submission).

Conditions:
Immunodeficiency 28 (IMD28). Also called: IFNGR2 DEFICIENCY. Identifiers: Orphanet 319547, Orphanet 319574, MedGen C4013947, MONDO:0013953, OMIM 614889.

gnomAD v4.1: 1 of 1,614,098 alleles (0.000062%); highest among the groups gnomAD compares: Non-Finnish European, 0.000085%; no homozygotes.

Submission:

Labcorp Genetics (formerly Invitae), Labcorp
Classification: Uncertain significance for Immunodeficiency 28. Last evaluated: 2022-07-12. Review status: criteria provided, single submitter. Criteria: Invitae Variant Classification Sherloc (09022015). Collection method: clinical testing. Allele origin: germline.
Comment: This sequence change replaces glycine, which is neutral and non-polar, with glutamic acid, which is acidic and polar, at codon 254 of the IFNGR2 protein (p.Gly254Glu). This variant is not present in population databases (gnomAD no frequency). This variant has not been reported in the literature in individuals affected with IFNGR2-related conditions. Algorithms developed to predict the effect of missense changes on protein structure and function are either unavailable or do not agree on the potential impact of this missense change (SIFT: "Deleterious"; PolyPhen-2: "Probably Damaging"; Align-GVGD: "Class C15"). In summary, the available evidence is currently insufficient to determine the role of this variant in disease. Therefore, it has been classified as a Variant of Uncertain Significance.

NM_005534.4(IFNGR2):c.761G>A (p.Gly254Glu)

Genes: IFNGR2 (interferon gamma receptor 2; plus strand), TMEM50B (transmembrane protein 50B; minus strand). Cytogenetic location: 21q22.11.
Variant type: single nucleotide variant.
Coding change: c.761G>A on transcript NM_005534.4 (MANE Select); coding-DNA position 761, G replaced by A.
Protein change: p.Gly254Glu; replaces glycine 254 with glutamic acid.
Molecular consequence: missense variant. On other transcripts: non-coding transcript variant (1).
Genome position (GRCh38, 1-based): chr21:33,432,753, G>A. VCF-style: chr21-33432753-G-A. GRCh37 (hg19) VCF-style: chr21-34805060-G-A.
Other names: c.818G>A, p.Gly273Glu (NM_001329128.2); short protein forms G254E, G273E.
Identifiers: ClinVar variation 1910102 (VCV001910102.5), dbSNP rs1245454647, ClinGen allele CA410112150.